The following is an entry in ClinVar:

ClinVar aggregate classification (germline): Pathogenic (1 of 4 stars; one submission).

Conditions:
Mitochondrial complex II deficiency, nuclear type 1. Also called: SUCCINATE CoQ REDUCTASE DEFICIENCY. Identifiers: Orphanet 3208, MedGen C5700310, MONDO:0100294, OMIM 252011.
Pheochromocytoma/paraganglioma syndrome 5. Also called: Paragangliomas 5; SDHA-Related Hereditary Paraganglioma-Pheochromocytoma Syndrome. Identifiers: Orphanet 29072, MedGen C3279992, MONDO:0013602, OMIM 614165.

Submission:

Labcorp Genetics (formerly Invitae), Labcorp
Classification: Pathogenic for Pheochromocytoma/paraganglioma syndrome 5; Mitochondrial complex II deficiency, nuclear type 1. Last evaluated: 2024-01-26. Review status: criteria provided, single submitter. Criteria: Invitae Variant Classification Sherloc (09022015). Collection method: clinical testing. Allele origin: germline.
Comment: This sequence change creates a premature translational stop signal (p.Lys480*) in the SDHA gene. It is expected to result in an absent or disrupted protein product. Loss-of-function variants in SDHA are known to be pathogenic (PMID: 22974104, 24781757). This variant is not present in population databases (gnomAD no frequency). This variant has not been reported in the literature in individuals affected with SDHA-related conditions. For these reasons, this variant has been classified as Pathogenic.

Literature cited by the submitters: PubMed 22974104; PubMed 24781757.

NM_004168.4(SDHA):c.1437dup (p.Lys480Ter)

Gene: SDHA (succinate dehydrogenase complex flavoprotein subunit A; plus strand). Cytogenetic location: 5p15.33.
Variant type: Duplication.
Coding change: c.1437dup on transcript NM_004168.4 (MANE Select); coding-DNA position 1437, one base duplicated (T; older notation c.1437dupT).
Protein change: p.Lys480Ter; replaces lysine 480 with a stop codon.
Molecular consequence: nonsense.
Genome position (GRCh38, 1-based): chr5:240,362, T duplicated. VCF-style (leftmost placement, unchanged base first): chr5-240361-A-AT. GRCh37 (hg19) VCF-style: chr5-240476-A-AT.
Other names: c.1293dup, p.Lys432Ter (NM_001294332.2); c.1437dup, p.Lys480Ter (NM_001330758.2); short protein forms K432*, K480*.
Identifiers: ClinVar variation 3753566 (VCV003753566.2).
Genomic context (GRCh38, chr5:240,361, plus strand): 5'-CATTTGGTTTTTTAAAACGGTTTTCAAAAGTTAAATTCTAGCTTTTTTTTGTTTTAGGAG[A>AT]TAAAGTCCCTCCAATTAAACCAAACGCTGGGGAAGAATCTGTCATGAATCTTGACAAATT-3'